The following is an entry in ClinVar:

ClinVar aggregate classification (germline): Uncertain significance (1 of 4 stars; one submission).

Conditions:
Inborn genetic diseases. Identifiers: MedGen C0950123, MeSH D030342.

Submission:

Ambry Genetics
Classification: Uncertain significance for Inborn genetic diseases. Last evaluated: 2025-05-17. Review status: criteria provided, single submitter. Criteria: Ambry Variant Classification Scheme 2023. Collection method: clinical testing. Allele origin: germline.
Comment: The p.L177S variant (also known as c.530T>C), located in coding exon 1 of the SAMD9 gene, results from a T to C substitution at nucleotide position 530. The leucine at codon 177 is replaced by serine, an amino acid with dissimilar properties. This amino acid position is conserved. In addition, this alteration is predicted to be tolerated by in silico analysis. Based on the available evidence, the clinical significance of this variant remains unclear.

NM_017654.4(SAMD9):c.530T>C (p.Leu177Ser)

Gene: SAMD9 (sterile alpha motif domain containing 9; minus strand). Cytogenetic location: 7q21.2.
Variant type: single nucleotide variant.
Coding change: c.530T>C on transcript NM_017654.4 (MANE Select); coding-DNA position 530, T replaced by C.
Protein change: p.Leu177Ser; replaces leucine 177 with serine.
Molecular consequence: missense variant.
Genome position (GRCh38, 1-based): chr7:93,105,568, A>G on the plus strand (T>C on the coding strand, the complement: SAMD9 is on the minus strand). VCF-style: chr7-93105568-A-G. GRCh37 (hg19) VCF-style: chr7-92734881-A-G.
Other names: c.530T>C, p.Leu177Ser (NM_001193307.2); short protein forms L177S.
Identifiers: ClinVar variation 3949640 (VCV003949640.1).